The following is an entry in ClinVar:

NM_030667.3(PTPRO):c.60C>G (p.Leu20=)

Gene: PTPRO (protein tyrosine phosphatase receptor type O; plus strand). Cytogenetic location: 12p12.3.
Variant type: single nucleotide variant.
Coding change: c.60C>G on transcript NM_030667.3 (MANE Select); coding-DNA position 60, C replaced by G.
Protein change: p.Leu20=; no amino-acid change (leucine 20 retained).
Molecular consequence: synonymous variant.
Genome position (GRCh38, 1-based): chr12:15,322,786, C>G. VCF-style: chr12-15322786-C-G. GRCh37 (hg19) VCF-style: chr12-15475720-C-G.
Other names: c.60C>G, p.Leu20= (NM_002848.4); c.60C>G (NM_030667.2).
Identifiers: ClinVar variation 2170933 (VCV002170933.7), dbSNP rs756776270, ClinGen allele CA6466161.

ClinVar aggregate classification (germline): Conflicting classifications of pathogenicity. Review status: criteria provided, conflicting classifications (1 of 4 stars). 3 submissions from 3 submitters: Uncertain significance (1); Likely benign (1). 1 of the submissions does not count toward it. Last evaluated 2024-04-22.

Conditions:
PTPRO-related disorder. Also called: PTPRO-related condition.
Nephrotic syndrome, type 6 (NPHS6). Identifiers: Orphanet 656, MedGen C3280100, MONDO:0013619, OMIM 614196.

Allele frequency attached by ClinVar (database versions not stated): ExAC 0.00008.
gnomAD v4.1: 71 of 1,612,708 alleles (0.0044%); highest among the groups gnomAD compares: Non-Finnish European, 0.0054%; no homozygotes.

Submissions (3):

Fulgent Genetics
Classification: Uncertain significance for Nephrotic syndrome, type 6. Last evaluated: 2024-04-22. Review status: criteria provided, single submitter. Criteria: ACMG Guidelines, 2015. Collection method: clinical testing. Allele origin: germline.

Labcorp Genetics (formerly Invitae), Labcorp
Classification: Likely benign. Last evaluated: 2022-06-27. Review status: criteria provided, single submitter. Criteria: Invitae Variant Classification Sherloc (09022015). Collection method: clinical testing. Allele origin: germline.

PreventionGenetics, part of Exact Sciences
Classification: Likely benign for PTPRO-related condition. Last evaluated: 2019-11-22. Review status: no assertion criteria provided. Collection method: clinical testing. Allele origin: germline. Not counted in ClinVar's aggregate classification.
Comment: This variant is classified as likely benign based on ACMG/AMP sequence variant interpretation guidelines (Richards et al. 2015 PMID: 25741868, with internal and published modifications).